The following is an entry in ClinVar:

ClinVar aggregate classification (germline): Uncertain significance. Review status: criteria provided, multiple submitters, no conflicts (2 of 4 stars). 2 submissions from 2 submitters: Uncertain significance (2). Last evaluated 2025-09-10.

Conditions:
Colorectal cancer, hereditary nonpolyposis, type 7. Identifiers: Orphanet 144, MedGen C1858380, MONDO:0013725, OMIM 614385.

Allele frequency attached by ClinVar (database versions not stated): gnomAD exomes below 0.00001 and 0.00001; gnomAD 0.00001; TOPMed 0.00001.
gnomAD v4.1: 11 of 1,614,030 alleles (0.00068%); highest among the groups gnomAD compares: Non-Finnish European, 0.00085%; no homozygotes.

Submissions (2):

Ambry Genetics
Classification: Uncertain significance. Last evaluated: 2025-09-10. Review status: criteria provided, single submitter. Criteria: Ambry Variant Classification Scheme 2023. Collection method: clinical testing. Allele origin: germline.
Comment: The p.S194A variant (also known as c.580T>G), located in coding exon 1 of the MLH3 gene, results from a T to G substitution at nucleotide position 580. The serine at codon 194 is replaced by alanine, an amino acid with similar properties. This amino acid position is conserved. In addition, this alteration is predicted to be tolerated by in silico analysis. Since supporting evidence is limited at this time, the clinical significance of this alteration remains unclear.

Labcorp Genetics (formerly Invitae), Labcorp
Classification: Uncertain significance for Colorectal cancer, hereditary nonpolyposis, type 7. Last evaluated: 2019-09-20. Review status: criteria provided, single submitter. Criteria: Invitae Variant Classification Sherloc (09022015). Collection method: clinical testing. Allele origin: germline.
Comment: Algorithms developed to predict the effect of missense changes on protein structure and function (SIFT, PolyPhen-2, Align-GVGD) all suggest that this variant is likely to be tolerated, but these predictions have not been confirmed by published functional studies and their clinical significance is uncertain. This variant has not been reported in the literature in individuals with MLH3-related conditions. This variant is not present in population databases (ExAC no frequency). This sequence change replaces serine with alanine at codon 194 of the MLH3 protein (p.Ser194Ala). The serine residue is moderately conserved and there is a moderate physicochemical difference between serine and alanine. In summary, the available evidence is currently insufficient to determine the role of this variant in disease. Therefore, it has been classified as a Variant of Uncertain Significance.

NM_001040108.2(MLH3):c.580T>G (p.Ser194Ala)

Gene: MLH3 (mutL homolog 3; minus strand). Cytogenetic location: 14q24.3.
Variant type: single nucleotide variant.
Coding change: c.580T>G on transcript NM_001040108.2 (MANE Select); coding-DNA position 580, T replaced by G.
Protein change: p.Ser194Ala; replaces serine 194 with alanine.
Molecular consequence: missense variant.
Genome position (GRCh38, 1-based): chr14:75,049,076, A>C on the plus strand (T>G on the coding strand, the complement: MLH3 is on the minus strand). VCF-style: chr14-75049076-A-C. GRCh37 (hg19) VCF-style: chr14-75515779-A-C.
Other names: c.580T>G, p.Ser194Ala (NM_014381.3); short protein forms S194A.
Identifiers: ClinVar variation 958905 (VCV000958905.13), dbSNP rs1379438361, ClinGen allele CA390449845.